The following is an entry in ClinVar:

ClinVar aggregate classification (germline): Uncertain significance (1 of 4 stars; one submission).

Conditions:
RYR1-related disorder. Also called: RYR1-related condition; RYR1-related disorders. Identifiers: MedGen CN239331.

Submission:

Labcorp Genetics (formerly Invitae), Labcorp
Classification: Uncertain significance for RYR1-related disorder. Last evaluated: 2023-10-13. Review status: criteria provided, single submitter. Criteria: Invitae Variant Classification Sherloc (09022015). Collection method: clinical testing. Allele origin: germline.
Comment: This sequence change replaces glycine, which is neutral and non-polar, with valine, which is neutral and non-polar, at codon 297 of the RYR1 protein (p.Gly297Val). This variant is not present in population databases (gnomAD no frequency). This variant has not been reported in the literature in individuals affected with RYR1-related conditions. Advanced modeling of protein sequence and biophysical properties (such as structural, functional, and spatial information, amino acid conservation, physicochemical variation, residue mobility, and thermodynamic stability) has been performed at Invitae for this missense variant, however the output from this modeling did not meet the statistical confidence thresholds required to predict the impact of this variant on RYR1 protein function. In summary, the available evidence is currently insufficient to determine the role of this variant in disease. Therefore, it has been classified as a Variant of Uncertain Significance.

NM_000540.3(RYR1):c.890G>T (p.Gly297Val)

Gene: RYR1 (ryanodine receptor 1; plus strand). Cytogenetic location: 19q13.2.
Variant type: single nucleotide variant.
Coding change: c.890G>T on transcript NM_000540.3 (MANE Select); coding-DNA position 890, G replaced by T.
Protein change: p.Gly297Val; replaces glycine 297 with valine.
Molecular consequence: missense variant.
Genome position (GRCh38, 1-based): chr19:38,448,444, G>T. VCF-style: chr19-38448444-G-T. GRCh37 (hg19) VCF-style: chr19-38939084-G-T.
Other names: c.890G>T, p.Gly297Val (NM_001042723.2); short protein forms G297V.
Identifiers: ClinVar variation 2889958 (VCV002889958.1), dbSNP rs769904500, ClinGen allele CA308115414.